The following is an entry in ClinVar:

NM_006231.4(POLE):c.487C>T (p.Leu163Phe)

Gene: POLE (DNA polymerase epsilon, catalytic subunit; minus strand). Cytogenetic location: 12q24.33.
Variant type: single nucleotide variant.
Coding change: c.487C>T on transcript NM_006231.4 (MANE Select); coding-DNA position 487, C replaced by T.
Protein change: p.Leu163Phe; replaces leucine 163 with phenylalanine.
Molecular consequence: missense variant.
Genome position (GRCh38, 1-based): chr12:132,679,588, G>A on the plus strand (C>T on the coding strand, the complement: POLE is on the minus strand). VCF-style: chr12-132679588-G-A. GRCh37 (hg19) VCF-style: chr12-133256174-G-A.
Other names: short protein forms L163F.
Identifiers: ClinVar variation 1017690 (VCV001017690.9), dbSNP rs1593085166, ClinGen allele CA387367246.

ClinVar aggregate classification (germline): Uncertain significance (1 of 4 stars; one submission).

Submission:

Labcorp Genetics (formerly Invitae), Labcorp
Classification: Uncertain significance. Last evaluated: 2025-02-09. Review status: criteria provided, single submitter. Criteria: Invitae Variant Classification Sherloc (09022015). Collection method: clinical testing. Allele origin: germline.
Comment: This sequence change replaces leucine, which is neutral and non-polar, with phenylalanine, which is neutral and non-polar, at codon 163 of the POLE protein (p.Leu163Phe). This variant is not present in population databases (gnomAD no frequency). This variant has not been reported in the literature in individuals affected with POLE-related conditions. ClinVar contains an entry for this variant (Variation ID: 1017690). Invitae Evidence Modeling of protein sequence and biophysical properties (such as structural, functional, and spatial information, amino acid conservation, physicochemical variation, residue mobility, and thermodynamic stability) indicates that this missense variant is not expected to disrupt POLE protein function with a negative predictive value of 80%. In summary, the available evidence is currently insufficient to determine the role of this variant in disease. Therefore, it has been classified as a Variant of Uncertain Significance.